The following is an entry in ClinVar:

ClinVar aggregate classification (germline): Pathogenic (0 of 4 stars; one submission).

Conditions:
Tricho-dento-osseous syndrome (TDO). Also called: TDO SYNDROME. Identifiers: Orphanet 3352, MedGen C0265333, MONDO:0008592, OMIM 190320.
Hypomaturation-hypoplastic amelogenesis imperfecta with taurodontism. Also called: Amelogenesis imperfecta, type IV. Identifiers: Orphanet 100034, Orphanet 88661, MedGen C1863012, MONDO:0007093, OMIM 104510. Disease mechanism: loss of function.

Submission:

Leeds Amelogenesis Imperfecta Research Group, University of Leeds
Classification: Pathogenic for Hypomaturation-hypoplastic amelogenesis imperfecta with taurodontism; Tricho-dento-osseous syndrome. Last evaluated: 2017-07-03. Review status: no assertion criteria provided. Collection method: research. Allele origin: germline. Inheritance: Autosomal dominant inheritance. Affected: yes. Observed: 2 variant alleles, 2 heterozygotes. Clinical features observed: Amelogenesis imperfecta, Taurodontism.
Comment: This variant alters a conserved residue in the DLX3 protein (conserved in all species analysed except African elephant). The variant lies within the homeodomain, the region responsible for DNA binding. DLX3 is a transcription factor and changes affecting DNA binding are likely to affect its function.

NM_005220.3(DLX3):c.476G>T (p.Arg159Leu)

Gene: DLX3 (distal-less homeobox 3; minus strand). Cytogenetic location: 17q21.33.
Variant type: single nucleotide variant.
Coding change: c.476G>T on transcript NM_005220.3 (MANE Select); coding-DNA position 476, G replaced by T.
Protein change: p.Arg159Leu; replaces arginine 159 with leucine.
Molecular consequence: missense variant.
Genome position (GRCh38, 1-based): chr17:49,993,440, C>A on the plus strand (G>T on the coding strand, the complement: DLX3 is on the minus strand). VCF-style: chr17-49993440-C-A. GRCh37 (hg19) VCF-style: chr17-48070804-C-A.
Other names: short protein forms R159L.
Identifiers: ClinVar variation 430609 (VCV000430609.3), dbSNP rs1555617226, ClinGen allele CA400175474.